The following is an entry in ClinVar:

ClinVar aggregate classification (germline): Uncertain significance. Review status: criteria provided, multiple submitters, no conflicts (2 of 4 stars). 2 submissions from 2 submitters: Uncertain significance (2). Last evaluated 2026-02-09.

Allele frequency attached by ClinVar (database versions not stated): gnomAD exomes below 0.00001; TOPMed below 0.00001.
gnomAD v4.1: 1 of 1,613,956 alleles (0.000062%); highest among the groups gnomAD compares: African/African-American, 0.0013%; no homozygotes.

Submissions (2):

GeneDx
Classification: Uncertain significance. Last evaluated: 2026-02-09. Review status: criteria provided, single submitter. Criteria: GeneDx Variant Classification Process June 2021. Collection method: clinical testing. Allele origin: germline.
Comment: Not observed at significant frequency in large population cohorts (gnomAD); In silico analysis suggests that this missense variant does not alter protein structure/function; Has not been previously published as pathogenic or benign to our knowledge

Labcorp Genetics (formerly Invitae), Labcorp
Classification: Uncertain significance. Last evaluated: 2022-04-08. Review status: criteria provided, single submitter. Criteria: Invitae Variant Classification Sherloc (09022015). Collection method: clinical testing. Allele origin: germline.
Comment: In summary, the available evidence is currently insufficient to determine the role of this variant in disease. Therefore, it has been classified as a Variant of Uncertain Significance. Algorithms developed to predict the effect of missense changes on protein structure and function output the following: SIFT: "Tolerated"; PolyPhen-2: "Benign"; Align-GVGD: "Class C0". The serine amino acid residue is found in multiple mammalian species, which suggests that this missense change does not adversely affect protein function. This variant has not been reported in the literature in individuals affected with SETD5-related conditions. This variant is not present in population databases (gnomAD no frequency). This sequence change replaces asparagine, which is neutral and polar, with serine, which is neutral and polar, at codon 1329 of the SETD5 protein (p.Asn1329Ser).

NM_001080517.3(SETD5):c.3986A>G (p.Asn1329Ser)

Gene: SETD5 (SET domain containing 5; plus strand). Cytogenetic location: 3p25.3.
Variant type: single nucleotide variant.
Coding change: c.3986A>G on transcript NM_001080517.3 (MANE Select); coding-DNA position 3986, A replaced by G.
Protein change: p.Asn1329Ser; replaces asparagine 1329 with serine.
Molecular consequence: missense variant.
Genome position (GRCh38, 1-based): chr3:9,475,748, A>G. VCF-style: chr3-9475748-A-G. GRCh37 (hg19) VCF-style: chr3-9517432-A-G.
Other names: c.3986A>G (NM_001080517.1); c.3692A>G, p.Asn1231Ser (NM_001292043.2, NM_001349451.2); short protein forms N1231S, N1329S.
Identifiers: ClinVar variation 1914881 (VCV001914881.7), dbSNP rs926616226, ClinGen allele CA69951990.